The following is an entry in ClinVar:

ClinVar aggregate classification (germline): Pathogenic (1 of 4 stars; one submission).

Conditions:
Hereditary cancer-predisposing syndrome. Also called: Tumor predisposition; Neoplastic Syndromes, Hereditary; Hereditary neoplastic syndrome; Hereditary Cancer Syndrome. Identifiers: Orphanet 140162, MedGen C0027672, MeSH D009386, MONDO:0015356.

Submission:

Color Diagnostics, LLC DBA Color Health
Classification: Pathogenic for Hereditary cancer-predisposing syndrome. Last evaluated: 2020-01-15. Review status: criteria provided, single submitter. Criteria: ACMG Guidelines, 2015. Collection method: clinical testing. Allele origin: germline.
Comment: This variant deletes 1 nucleotide in exon 10 of the BRCA1 gene, creating a frameshift and premature translation stop signal. This variant is expected to result in an absent or non-functional protein product. This variant has not been identified in the general population by the Genome Aggregation Database (gnomAD). Loss of BRCA1 function is a known mechanism of disease. Based on the available evidence, this variant is classified as Pathogenic.

NM_007294.4(BRCA1):c.1209del (p.Glu404fs)

Gene: BRCA1 (BRCA1 DNA repair associated; minus strand). Cytogenetic location: 17q21.31.
Variant type: Deletion.
Coding change: c.1209del on transcript NM_007294.4 (MANE Select); coding-DNA position 1209, one base deleted (T; older notation c.1209delT).
Protein change: p.Glu404fs; shifts the reading frame from glutamic acid 404.
Molecular consequence: frameshift variant. On other transcripts: intron variant (137).
Genome position (GRCh38, 1-based): chr17:43,094,322, A deleted on the plus strand (T on the coding strand, the reverse complement: BRCA1 is on the minus strand). VCF-style (leftmost placement, unchanged base first): chr17-43094321-CA-C. GRCh37 (hg19) VCF-style: chr17-41246338-CA-C.
Other names: c.996del, p.Glu333fs (NM_001407571.1, NM_001407853.1, NM_001407894.1 and 9 more transcripts); c.1209del, p.Glu404fs (NM_001407581.1, NM_001407582.1, NM_001407583.1 and 30 more transcripts); c.1206del, p.Glu403fs (NM_001407587.1, NM_001407590.1, NM_001407591.1 and 22 more transcripts); c.1200del, p.Glu401fs (NM_001407646.1, NM_001407647.1); c.1086del, p.Glu363fs (NM_001407648.1, NM_001407664.1, NM_001407665.1 and 19 more transcripts); c.1083del, p.Glu362fs (NM_001407649.1, NM_001407670.1, NM_001407671.1 and 11 more transcripts); c.1131del, p.Glu378fs (NM_001407653.1, NM_001407654.1, NM_001407655.1 and 4 more transcripts); c.1128del, p.Glu377fs (NM_001407659.1, NM_001407660.1, NM_001407661.1 and 1 more transcripts); and 41 more; short protein forms E404fs, E357fs, E292fs, E337fs, E401fs, E403fs, E293fs, E334fs.
Identifiers: ClinVar variation 630569 (VCV000630569.6), dbSNP rs1567800523, ClinGen allele CA913188896.
Genomic context (GRCh38, chr17:43,094,321, plus strand): 5'-CAGAATATTCATCTACCTCATTTAGAACGTCCAATACATCAGCTACTTTGGCATTTGATT[CA>C]GACTCCCCATCATGTGAGTCATCAGAACCTAACAGTTCATCACTTCTGGAAAACCACTCA-3'